The following is an entry in ClinVar:

NM_005548.3(KARS1):c.1753A>T (p.Thr585Ser)

Gene: KARS1 (lysyl-tRNA synthetase 1; minus strand). Cytogenetic location: 16q23.1.
Variant type: single nucleotide variant.
Coding change: c.1753A>T on transcript NM_005548.3 (MANE Select); coding-DNA position 1753, A replaced by T.
Protein change: p.Thr585Ser; replaces threonine 585 with serine.
Molecular consequence: missense variant.
Genome position (GRCh38, 1-based): chr16:75,627,936, T>A on the plus strand (A>T on the coding strand, the complement: KARS1 is on the minus strand). VCF-style: chr16-75627936-T-A. GRCh37 (hg19) VCF-style: chr16-75661834-T-A.
Other names: c.1837A>T, p.Thr613Ser (NM_001130089.2); c.1285A>T, p.Thr429Ser (NM_001378148.1); short protein forms T429S, T585S, T613S.
Identifiers: ClinVar variation 2001734 (VCV002001734.3), dbSNP rs2151799742, ClinGen allele CA396809127.

ClinVar aggregate classification (germline): Uncertain significance (1 of 4 stars; one submission).

Submission:

Labcorp Genetics (formerly Invitae), Labcorp
Classification: Uncertain significance. Last evaluated: 2025-01-27. Review status: criteria provided, single submitter. Criteria: Invitae Variant Classification Sherloc (09022015). Collection method: clinical testing. Allele origin: germline.
Comment: This sequence change replaces threonine, which is neutral and polar, with serine, which is neutral and polar, at codon 613 of the KARS protein (p.Thr613Ser). This variant is not present in population databases (gnomAD no frequency). This variant has not been reported in the literature in individuals affected with KARS-related conditions. ClinVar contains an entry for this variant (Variation ID: 2001734). An algorithm developed to predict the effect of missense changes on protein structure and function outputs the following: PolyPhen-2: "Benign". The serine amino acid residue is found in multiple mammalian species, which suggests that this missense change does not adversely affect protein function. In summary, the available evidence is currently insufficient to determine the role of this variant in disease. Therefore, it has been classified as a Variant of Uncertain Significance.